The following is an entry in ClinVar:

ClinVar aggregate classification (germline): Conflicting classifications of pathogenicity. Review status: criteria provided, conflicting classifications (1 of 4 stars). 9 submissions from 6 submitters: Uncertain significance (1); Benign (2); Likely benign (6). Last evaluated 2025-10-13.

Conditions:
Hypogonadotropic hypogonadism 2 with or without anosmia (HH2). Also called: HYPOGONADOTROPIC HYPOGONADISM 2 WITHOUT ANOSMIA; HYPOGONADOTROPIC HYPOGONADISM 2 WITH OR WITHOUT ANOSMIA, SUSCEPTIBILITY TO; HYPOGONADOTROPIC HYPOGONADISM 2 WITHOUT ANOSMIA, SUSCEPTIBILITY TO; FGFR1-Related GnRH Deficiency (Kallmann Syndrome 2). Identifiers: Orphanet 478, MedGen C1563720, MONDO:0007844, OMIM 147950. Disease mechanism: loss of function.
Pfeiffer syndrome (ACS5). Also called: ACS V. Identifiers: Orphanet 710, MedGen C0220658, MONDO:0007043, OMIM 101600.
Craniosynostosis syndrome. Also called: Craniosynostosis. Identifiers: Orphanet 1531, MedGen C0010278, MeSH D003398, MONDO:0015469, HP:0001363.
Trigonocephaly 1 (TRIGNO1). Identifiers: Orphanet 3366, MedGen C0432122, MONDO:0008603, OMIM 190440.
Osteoglophonic dysplasia (OGD). Also called: Osteoglophonic dwarfism. Identifiers: Orphanet 2645, MedGen C0432283, MONDO:0008150, OMIM 166250.

Allele frequency attached by ClinVar (database versions not stated): gnomAD exomes 0.00022 and 0.00033; TOPMed 0.00026; gnomAD 0.00027; ESP Exome Variant Server 0.00033; ExAC 0.00035; 1000 Genomes Project 0.00040; 1000 Genomes Project 30x 0.00062.
gnomAD v4.1: 374 of 1,610,070 alleles (0.023%); highest among the groups gnomAD compares: Admixed American, 0.045%; no homozygotes.

Submissions (9):

Labcorp Genetics (formerly Invitae), Labcorp
Classification: Likely benign for Pfeiffer syndrome; Hypogonadotropic hypogonadism 2 with or without anosmia. Last evaluated: 2025-10-13. Review status: criteria provided, single submitter. Criteria: Invitae Variant Classification Sherloc (09022015). Collection method: clinical testing. Allele origin: germline.

Blueprint Genetics
Classification: Likely benign. Last evaluated: 2024-11-04. Review status: criteria provided, single submitter. Criteria: ACMG Guidelines, 2015. Collection method: clinical testing. Allele origin: germline.

CeGaT Center for Human Genetics Tuebingen
Classification: Likely benign. Last evaluated: 2024-01-01. Review status: criteria provided, single submitter. Criteria: CeGaT Center For Human Genetics Tuebingen Variant Classification Criteria Version 2. Collection method: clinical testing. Allele origin: germline. Affected: yes. Observed: 1 variant allele.
Comment: FGFR1: BP4, BS2

GeneDx
Classification: Likely benign. Last evaluated: 2021-01-05. Review status: criteria provided, single submitter. Criteria: GeneDx Variant Classification Process June 2021. Collection method: clinical testing. Allele origin: germline. Affected: yes.

ARUP Laboratories, Molecular Genetics and Genomics, ARUP Laboratories
Classification: Likely benign. Last evaluated: 2020-05-28. Review status: criteria provided, single submitter. Criteria: ARUP Molecular Germline Variant Investigation Process. Collection method: clinical testing. Allele origin: germline.

Illumina Laboratory Services, Illumina
Classification: Likely benign for Craniosynostosis. Last evaluated: 2018-01-13. Review status: criteria provided, single submitter. Criteria: ICSL Variant Classification Criteria 13 December 2019. Collection method: clinical testing. Allele origin: germline.
Comment: This variant was observed in the ICSL laboratory as part of a predisposition screen in an ostensibly healthy population. It had not been previously curated by ICSL or reported in the Human Gene Mutation Database (HGMD: prior to June 1st, 2018), and was therefore a candidate for classification through an automated scoring system. Utilizing variant allele frequency, disease prevalence and penetrance estimates, and inheritance mode, an automated score was calculated to assess if this variant is too frequent to cause the disease. Based on the score and internal cut-off values, a variant classified as likely benign is not then subjected to further curation. The score for this variant resulted in a classification of likely benign for this disease.

Illumina Laboratory Services, Illumina
Classification: Benign for Trigonocephaly 1. Last evaluated: 2018-01-13. Review status: criteria provided, single submitter. Criteria: ICSL Variant Classification Criteria 13 December 2019. Collection method: clinical testing. Allele origin: germline.
Comment: This variant was observed in the ICSL laboratory as part of a predisposition screen in an ostensibly healthy population. It had not been previously curated by ICSL or reported in the Human Gene Mutation Database (HGMD: prior to June 1st, 2018), and was therefore a candidate for classification through an automated scoring system. Utilizing variant allele frequency, disease prevalence and penetrance estimates, and inheritance mode, an automated score was calculated to assess if this variant is too frequent to cause the disease. Based on the score and internal cut-off values, a variant classified as benign is not then subjected to further curation. The score for this variant resulted in a classification of benign for this disease.

Illumina Laboratory Services, Illumina
Classification: Uncertain significance for Hypogonadotropic hypogonadism 2 with or without anosmia. Last evaluated: 2018-01-13. Review status: criteria provided, single submitter. Criteria: ICSL Variant Classification Criteria 13 December 2019. Collection method: clinical testing. Allele origin: germline.

Illumina Laboratory Services, Illumina
Classification: Benign for Osteoglophonic dysplasia. Last evaluated: 2018-01-13. Review status: criteria provided, single submitter. Criteria: ICSL Variant Classification Criteria 13 December 2019. Collection method: clinical testing. Allele origin: germline.
Comment: the same text as in the submission from Illumina Laboratory Services, Illumina above.

NM_023110.3(FGFR1):c.359-4A>G

Gene: FGFR1 (fibroblast growth factor receptor 1; minus strand). Cytogenetic location: 8p11.23.
Variant type: single nucleotide variant.
Coding change: c.359-4A>G on transcript NM_023110.3 (MANE Select); 4 bases into the intron before coding-DNA position 359, A replaced by G.
Molecular consequence: intron variant.
Genome position (GRCh38, 1-based): chr8:38,428,439, T>C on the plus strand (A>G on the coding strand, the complement: FGFR1 is on the minus strand). VCF-style: chr8-38428439-T-C. GRCh37 (hg19) VCF-style: chr8-38285957-T-C.
Other names: c.92-4A>G (NM_001354368.2, NM_001354370.2, NM_023106.3 and 2 more transcripts); c.359-4A>G (NM_001354367.2, NM_015850.4, NM_001174063.2 and 2 more transcripts); c.335-4A>G (NM_001174064.2); c.458-4A>G (NM_001174067.2).
Identifiers: ClinVar variation 362907 (VCV000362907.46), dbSNP rs185233212, ClinGen allele CA4718770.